The following is an entry in ClinVar:

NM_001035.3(RYR2):c.8017G>T (p.Ala2673Ser)

Gene: RYR2 (ryanodine receptor 2; plus strand). Cytogenetic location: 1q43.
Variant type: single nucleotide variant.
Coding change: c.8017G>T on transcript NM_001035.3 (MANE Select); coding-DNA position 8017, G replaced by T.
Protein change: p.Ala2673Ser; replaces alanine 2673 with serine.
Molecular consequence: missense variant.
Genome position (GRCh38, 1-based): chr1:237,655,872, G>T. VCF-style: chr1-237655872-G-T. GRCh37 (hg19) VCF-style: chr1-237819172-G-T.
Other names: short protein forms A2673S.
Identifiers: ClinVar variation 2774334 (VCV002774334.2), dbSNP rs2547083200, ClinGen allele CA345400838.
Genomic context (GRCh38, chr1:237,655,872, plus strand): 5'-TTTTCCCAGAAATATGAACAAGAACTTTTCAAACTGGCACTGCCTTGCCTGAGTGCAGTT[G>T]CGGGAGCTTTGCCTCCAGACTACATGGAGTCAAATTATGTCAGTATGATGGAAAAACAGT-3'
Protein context (NP_001026.2, residues 2663-2683): KLALPCLSAV[Ala2673Ser]GALPPDYMES

ClinVar aggregate classification (germline): Uncertain significance (1 of 4 stars; one submission).

Conditions:
Cardiomyopathy (CMYO). Also called: Cardiomyopathies. Identifiers: Orphanet 167848, MedGen C0878544, MONDO:0004994, HP:0001638. Inheritance: Various modes of inheritance.

Allele frequency attached by ClinVar (database versions not stated): gnomAD exomes below 0.00001.
gnomAD v4.1: 2 of 1,609,202 alleles (0.00012%); highest among the groups gnomAD compares: Non-Finnish European, 0.00017%; no homozygotes.

Submission:

Color Diagnostics, LLC DBA Color Health
Classification: Uncertain significance for Cardiomyopathy. Last evaluated: 2024-03-06. Review status: criteria provided, single submitter. Criteria: ACMG Guidelines, 2015. Collection method: clinical testing. Allele origin: germline.
Comment: This missense variant replaces alanine with serine at codon 2673 of the RYR2 protein. Computational prediction suggests that this variant may have deleterious impact on protein structure and function (internally defined REVEL score threshold >= 0.7, PMID: 27666373). To our knowledge, functional studies have not been reported for this variant. This variant has not been reported in individuals affected with cardiovascular disorders in the literature. This variant has not been identified in the general population by the Genome Aggregation Database (gnomAD). The available evidence is insufficient to determine the role of this variant in disease conclusively. Therefore, this variant is classified as a Variant of Uncertain Significance.